The following is an entry in ClinVar:

ClinVar aggregate classification (germline): Uncertain significance. Review status: criteria provided, multiple submitters, no conflicts (2 of 4 stars). 4 submissions from 4 submitters: Uncertain significance (4). Last evaluated 2025-10-02.

Conditions:
Hereditary cancer-predisposing syndrome. Also called: Hereditary neoplastic syndrome; Tumor predisposition; Neoplastic Syndromes, Hereditary; Hereditary Cancer Syndrome. Identifiers: Orphanet 140162, MedGen C0027672, MeSH D009386, MONDO:0015356.
Juvenile polyposis syndrome (JPS). Identifiers: Orphanet 2929, MedGen C0345893, MONDO:0017380, OMIM 174900.

Submissions (4):

Ambry Genetics
Classification: Uncertain significance for Hereditary cancer-predisposing syndrome. Last evaluated: 2025-10-02. Review status: criteria provided, single submitter. Criteria: Ambry Variant Classification Scheme 2023. Collection method: clinical testing. Allele origin: germline.
Comment: The p.D70N variant (also known as c.208G>A), located in coding exon 2 of the BMPR1A gene, results from a G to A substitution at nucleotide position 208. The aspartic acid at codon 70 is replaced by asparagine, an amino acid with highly similar properties. This amino acid position is highly conserved in available vertebrate species. In addition, this alteration is predicted to be tolerated by in silico analysis. Since supporting evidence is limited at this time, the clinical significance of this alteration remains unclear.

All of Us Research Program, National Institutes of Health
Classification: Uncertain significance for Juvenile polyposis syndrome. Last evaluated: 2024-03-05. Review status: criteria provided, single submitter. Criteria: ACMG Guidelines, 2015. Collection method: clinical testing. Allele origin: germline. Inheritance: Autosomal dominant inheritance. Observed: 1 variant allele, 1 heterozygote.
Comment: This study involves interpretation of variants in research participants for the purpose of population health screening. Participant phenotype was not available at the time of variant classification. Additional details can be found in publication PMID: 35346344, PMCID: PMC8962531

Labcorp Genetics (formerly Invitae), Labcorp
Classification: Uncertain significance for Juvenile polyposis syndrome. Last evaluated: 2022-05-05. Review status: criteria provided, single submitter. Criteria: Invitae Variant Classification Sherloc (09022015). Collection method: clinical testing. Allele origin: germline.
Comment: In summary, the available evidence is currently insufficient to determine the role of this variant in disease. Therefore, it has been classified as a Variant of Uncertain Significance. Advanced modeling of protein sequence and biophysical properties (such as structural, functional, and spatial information, amino acid conservation, physicochemical variation, residue mobility, and thermodynamic stability) performed at Invitae indicates that this missense variant is not expected to disrupt BMPR1A protein function. This variant has not been reported in the literature in individuals affected with BMPR1A-related conditions. This variant is not present in population databases (gnomAD no frequency). This sequence change replaces aspartic acid, which is acidic and polar, with asparagine, which is neutral and polar, at codon 70 of the BMPR1A protein (p.Asp70Asn).

MGZ Medical Genetics Center
Classification: Uncertain significance for Juvenile polyposis syndrome. Last evaluated: 2021-10-06. Review status: criteria provided, single submitter. Criteria: ACMG Guidelines, 2015. Collection method: clinical testing. Allele origin: germline. Affected: yes. Observed: 1 variant allele.
Comment: ACMG criteria applied: PM2_SUP

NM_004329.3(BMPR1A):c.208G>A (p.Asp70Asn)

Gene: BMPR1A (bone morphogenetic protein receptor type 1A; plus strand). Cytogenetic location: 10q23.2.
Variant type: single nucleotide variant.
Coding change: c.208G>A on transcript NM_004329.3 (MANE Select); coding-DNA position 208, G replaced by A.
Protein change: p.Asp70Asn; replaces aspartic acid 70 with asparagine.
Molecular consequence: missense variant.
Genome position (GRCh38, 1-based): chr10:86,890,202, G>A. VCF-style: chr10-86890202-G-A. GRCh37 (hg19) VCF-style: chr10-88649959-G-A.
Other names: c.208G>A, p.Asp70Asn (NM_001406567.1, NM_001406568.1, NM_001406569.1 and 23 more transcripts); c.124G>A, p.Asp42Asn (NM_001406584.1, NM_001406585.1, NM_001406586.1 and 2 more transcripts); short protein forms D42N, D70N.
Identifiers: ClinVar variation 1709884 (VCV001709884.11), dbSNP rs2539433003, ClinGen allele CA377447154.